The following is an entry in ClinVar:

NM_005475.3(SH2B3):c.238C>T (p.Arg80Cys)

Gene: SH2B3 (SH2B adaptor protein 3; plus strand). Cytogenetic location: 12q24.12.
Variant type: single nucleotide variant.
Coding change: c.238C>T on transcript NM_005475.3 (MANE Select); coding-DNA position 238, C replaced by T.
Protein change: p.Arg80Cys; replaces arginine 80 with cysteine.
Molecular consequence: missense variant.
Genome position (GRCh38, 1-based): chr12:111,418,383, C>T. VCF-style: chr12-111418383-C-T. GRCh37 (hg19) VCF-style: chr12-111856187-C-T.
Other names: short protein forms R80C.
Identifiers: ClinVar variation 3352709 (VCV003352709.2).

ClinVar aggregate classification (germline): Benign. Review status: criteria provided, single submitter (1 of 4 stars). 2 submissions from 2 submitters: Benign (1). 1 of the submissions does not count toward it. Last evaluated 2025-03-26.

Conditions:
SH2B3-related disorder. Also called: SH2B3-related condition.

gnomAD v4.1: 2,419 of 1,506,870 alleles (0.16%); highest among the groups gnomAD compares: African/African-American, 3%; 40 homozygotes.

Submissions (2):

ARUP Laboratories, Molecular Genetics and Genomics, ARUP Laboratories
Classification: Benign. Last evaluated: 2025-03-26. Review status: criteria provided, single submitter. Criteria: ARUP Molecular Germline Variant Investigation Process 2024. Collection method: clinical testing. Allele origin: germline.

PreventionGenetics, part of Exact Sciences
Classification: Benign for SH2B3-related condition. Last evaluated: 2024-04-16. Review status: no assertion criteria provided. Collection method: clinical testing. Allele origin: germline. Not counted in ClinVar's aggregate classification.
Comment: This variant is classified as benign based on ACMG/AMP sequence variant interpretation guidelines (Richards et al. 2015 PMID: 25741868, with internal and published modifications).